The following is an entry in ClinVar:

ClinVar aggregate classification (germline): Conflicting classifications of pathogenicity. Review status: criteria provided, conflicting classifications (1 of 4 stars). 3 submissions from 3 submitters: Uncertain significance (1); Likely benign (1). 1 of the submissions does not count toward it. Last evaluated 2025-10-22.

Conditions:
PROM1-related disorder. Also called: PROM1-related disorders; PROM1-related condition.

Allele frequency attached by ClinVar (database versions not stated): ExAC 0.00005; gnomAD 0.00006 and 0.00007; gnomAD exomes 0.00006 and 0.00016; TOPMed 0.00008; ESP Exome Variant Server 0.00042.
gnomAD v4.1: 234 of 1,578,128 alleles (0.015%); highest among the groups gnomAD compares: Non-Finnish European, 0.02%; no homozygotes.

Submissions (3):

Labcorp Genetics (formerly Invitae), Labcorp
Classification: Uncertain significance. Last evaluated: 2025-10-22. Review status: criteria provided, single submitter. Criteria: Invitae Variant Classification Sherloc (09022015). Collection method: clinical testing. Allele origin: germline.
Comment: This sequence change falls in intron 11 of the PROM1 gene. It does not directly change the encoded amino acid sequence of the PROM1 protein. It affects a nucleotide within the consensus splice site. This variant is present in population databases (rs373623517, gnomAD 0.01%). This variant has not been reported in the literature in individuals affected with PROM1-related conditions. ClinVar contains an entry for this variant (Variation ID: 936231). Variants that disrupt the consensus splice site are a relatively common cause of aberrant splicing (PMID: 17576681, 9536098). Algorithms developed to predict the effect of sequence changes on RNA splicing suggest that this variant is not likely to affect RNA splicing. In summary, the available evidence is currently insufficient to determine the role of this variant in disease. Therefore, it has been classified as a Variant of Uncertain Significance.

Blueprint Genetics
Classification: Likely benign. Last evaluated: 2024-07-11. Review status: criteria provided, single submitter. Criteria: ACMG Guidelines, 2015. Collection method: clinical testing. Allele origin: germline.

PreventionGenetics, part of Exact Sciences
Classification: Likely benign for PROM1-related condition. Last evaluated: 2019-04-02. Review status: no assertion criteria provided. Collection method: clinical testing. Allele origin: germline. Not counted in ClinVar's aggregate classification.
Comment: This variant is classified as likely benign based on ACMG/AMP sequence variant interpretation guidelines (Richards et al. 2015 PMID: 25741868, with internal and published modifications).

Literature cited by the submitters: PubMed 17576681 (cited by Labcorp Genetics (formerly Invitae), Labcorp); PubMed 9536098 (cited by Labcorp Genetics (formerly Invitae), Labcorp).

NM_006017.3(PROM1):c.1301+3G>A

Gene: PROM1 (prominin 1; minus strand). Cytogenetic location: 4p15.32.
Variant type: single nucleotide variant.
Coding change: c.1301+3G>A on transcript NM_006017.3 (MANE Select); 3 bases into the intron after coding-DNA position 1301, G replaced by A.
Molecular consequence: intron variant.
Genome position (GRCh38, 1-based): chr4:16,008,946, C>T on the plus strand (G>A on the coding strand, the complement: PROM1 is on the minus strand). VCF-style: chr4-16008946-C-T. GRCh37 (hg19) VCF-style: chr4-16010569-C-T.
Other names: c.1274+3G>A (NM_001145848.2, NM_001145852.2, NM_001145847.2 and 4 more transcripts); c.1301+3G>A (NM_001145850.2, NM_001145849.2).
Identifiers: ClinVar variation 936231 (VCV000936231.10), dbSNP rs373623517, ClinGen allele CA2866818.